The following is an entry in ClinVar:

NM_012188.5(FOXI1):c.528G>A (p.Ser176=)

Gene: FOXI1 (forkhead box I1; plus strand). Cytogenetic location: 5q35.1.
Variant type: single nucleotide variant.
Coding change: c.528G>A on transcript NM_012188.5 (MANE Select); coding-DNA position 528, G replaced by A.
Protein change: p.Ser176=; no amino-acid change (serine 176 retained).
Molecular consequence: synonymous variant.
Genome position (GRCh38, 1-based): chr5:170,106,485, G>A. VCF-style: chr5-170106485-G-A. GRCh37 (hg19) VCF-style: chr5-169533489-G-A.
Other names: c.528G>A, p.Ser176= (NM_144769.4).
Identifiers: ClinVar variation 737313 (VCV000737313.15), dbSNP rs373094576, ClinGen allele CA3555037.

ClinVar aggregate classification (germline): Conflicting classifications of pathogenicity. Review status: criteria provided, conflicting classifications (1 of 4 stars). 4 submissions from 4 submitters: Uncertain significance (1); Likely benign (2). 1 of the submissions does not count toward it. Last evaluated 2024-02-16.

Conditions:
Autosomal recessive nonsyndromic hearing loss 4 (DFNB4). Also called: FOXI1-Related Pendred Syndrome; KCNJ10-Related Pendred Syndrome; DEAFNESS, AUTOSOMAL RECESSIVE 4, WITH ENLARGED VESTIBULAR AQUEDUCT, DIGENIC; NEUROSENSORY NONSYNDROMIC RECESSIVE DEAFNESS 4; Enlarged vestibular aqueduct, digenic; Nonsyndromic enlarged vestibular aqueduct (NSEVA). Identifiers: Orphanet 90636, MedGen C3538946, MONDO:0010933, OMIM 600791.
FOXI1-related disorder. Also called: FOXI1-related condition.

Allele frequency attached by ClinVar (database versions not stated): TOPMed 0.00006.
gnomAD v4.1: 127 of 1,614,142 alleles (0.0079%); highest among the groups gnomAD compares: Non-Finnish European, 0.0097%; no homozygotes.

Submissions (4):

Labcorp Genetics (formerly Invitae), Labcorp
Classification: Likely benign. Last evaluated: 2024-02-16. Review status: criteria provided, single submitter. Criteria: Invitae Variant Classification Sherloc (09022015). Collection method: clinical testing. Allele origin: germline.

Blueprint Genetics
Classification: Likely benign. Last evaluated: 2023-04-03. Review status: criteria provided, single submitter. Criteria: ACMG Guidelines, 2015. Collection method: clinical testing. Allele origin: germline.

Illumina Laboratory Services, Illumina
Classification: Uncertain significance for Autosomal recessive nonsyndromic hearing loss 4. Last evaluated: 2018-02-28. Review status: criteria provided, single submitter. Criteria: ICSL Variant Classification Criteria 13 December 2019. Collection method: clinical testing. Allele origin: germline.

PreventionGenetics, part of Exact Sciences
Classification: Likely benign for FOXI1-related condition. Last evaluated: 2019-05-28. Review status: no assertion criteria provided. Collection method: clinical testing. Allele origin: germline. Not counted in ClinVar's aggregate classification.
Comment: This variant is classified as likely benign based on ACMG/AMP sequence variant interpretation guidelines (Richards et al. 2015 PMID: 25741868, with internal and published modifications).